The following is an entry in ClinVar:

ClinVar aggregate classification (germline): Conflicting classifications of pathogenicity. Review status: criteria provided, conflicting classifications (1 of 4 stars). 2 submissions from 2 submitters: Uncertain significance (1); Likely benign (1). Last evaluated 2026-04-23.

Conditions:
Intellectual disability-facial dysmorphism syndrome due to SETD5 haploinsufficiency (MRD23). Also called: Intellectual developmental disorder, autosomal dominant 23. Identifiers: Orphanet 404440, MedGen C3810406, MONDO:0014336, OMIM 615761.
Inborn genetic diseases. Identifiers: MedGen C0950123, MeSH D030342.

gnomAD v4.1: 8 of 1,613,842 alleles (0.0005%); highest among the groups gnomAD compares: Admixed American, 0.0033%; no homozygotes.

Submissions (2):

Ambry Genetics
Classification: Likely benign for Inborn genetic diseases. Last evaluated: 2026-04-23. Review status: criteria provided, single submitter. Criteria: Ambry Variant Classification Scheme 2023. Collection method: clinical testing. Allele origin: germline.

Institute for Clinical Genetics, University Hospital TU Dresden, University Hospital TU Dresden
Classification: Uncertain significance for Intellectual disability-facial dysmorphism syndrome due to SETD5 haploinsufficiency. Last evaluated: 2023-09-06. Review status: criteria provided, single submitter. Criteria: ACMG Guidelines, 2015. Collection method: clinical testing. Allele origin: germline. Affected: yes.
Comment: The missense variant in the SETD5 gene leads to an amino acid exchange at position 1285 in the corresponding protein due to a base exchange at position 3853 of the mRNA. This variant is not yet listed in the ClinVar database. However, at the same amino acid position, two other variants are listed in the ClinVar database (p.(Pro1285Ala), p.(Pro1285His)), which are classified as variants of unclear significance or likely benign. Bioinformatic prediction algorithms estimate the variant to be insignificant for protein function (REVEL score 0.243), which has not yet been confirmed by functional studies. In the gnomAD database, this variant has been found 1-fold heterozygous in healthy individuals. Empirically, the gene does not show increased sensitivity to missense variants (Z-score 1.13). In databases and the literature, the majority of loss-of-function variants have been described as causative of disease. Some missense variants have also been described as pathogenic, but these are almost exclusively located in the SET domain of the gene. According to current ACMG recommendations for variant assessment (PMID 25741868), the criteria PM2_SUP and BP4 are fulfilled, resulting in an assessment as a variant of unclear significance (ACMG class 3).

NM_001080517.3(SETD5):c.3853C>A (p.Pro1285Thr)

Gene: SETD5 (SET domain containing 5; plus strand). Cytogenetic location: 3p25.3.
Variant type: single nucleotide variant.
Coding change: c.3853C>A on transcript NM_001080517.3 (MANE Select); coding-DNA position 3853, C replaced by A.
Protein change: p.Pro1285Thr; replaces proline 1285 with threonine.
Molecular consequence: missense variant.
Genome position (GRCh38, 1-based): chr3:9,475,615, C>A. VCF-style: chr3-9475615-C-A. GRCh37 (hg19) VCF-style: chr3-9517299-C-A.
Other names: c.3853C>A (NM_001080517.1); c.3559C>A, p.Pro1187Thr (NM_001292043.2, NM_001349451.2); c.3949C>A, p.Pro1317Thr (NM_001437633.1); c.3967C>A, p.Pro1323Thr (NM_001437635.1); c.3910C>A, p.Pro1304Thr (NM_001437643.1); c.3892C>A, p.Pro1298Thr (NM_001437701.1); short protein forms P1187T, P1285T, P1298T, P1304T, P1317T, P1323T.
Identifiers: ClinVar variation 4850092 (VCV004850092.2).
Genomic context (GRCh38, chr3:9,475,615, plus strand): 5'-CATCCTACACAGTCTCCAGGATACAGTTATCGAACTACTGCACTGAGACCTGGAAACCCC[C>A]CCTCTCACGGTTCTTCAGAATCATCCCTCTCTTCCACGTCCTATTCCAGCCCCGCCCACC-3'
Protein context (NP_001073986.1, residues 1275-1295): RTTALRPGNP[Pro1285Thr]SHGSSESSLS